The following is an entry in ClinVar:

ClinVar aggregate classification (germline): Likely benign (1 of 4 stars; one submission).

Allele frequency attached by ClinVar (database versions not stated): 1000 Genomes Project 30x 0.00031; 1000 Genomes Project 0.00040; gnomAD 0.00063; TOPMed 0.00066; gnomAD exomes 0.00069; ESP Exome Variant Server 0.00089; ExAC 0.00092.
gnomAD v4.1: 1,150 of 1,613,274 alleles (0.071%); highest among the groups gnomAD compares: Middle Eastern, 0.099%; 4 homozygotes.

Submission:

CeGaT Center for Human Genetics Tuebingen
Classification: Likely benign. Last evaluated: 2022-06-01. Review status: criteria provided, single submitter. Criteria: CeGaT Center For Human Genetics Tuebingen Variant Classification Criteria Version 2. Collection method: clinical testing. Allele origin: germline. Affected: yes. Observed: 1 variant allele.
Comment: CEP68: BP4, BP7

NM_015147.3(CEP68):c.1884+21G>A

Gene: CEP68 (centrosomal protein 68; plus strand). Cytogenetic location: 2p14.
Variant type: single nucleotide variant.
Coding change: c.1884+21G>A on transcript NM_015147.3 (MANE Select); 21 bases into the intron after coding-DNA position 1884, G replaced by A.
Molecular consequence: intron variant.
Genome position (GRCh38, 1-based): chr2:65,073,001, G>A. VCF-style: chr2-65073001-G-A. GRCh37 (hg19) VCF-style: chr2-65300135-G-A.
Other names: c.1473+432G>A (NM_001319101.2); c.1884+21G>A (NM_001319100.2, NM_001410838.1).
Identifiers: ClinVar variation 2651008 (VCV002651008.24), dbSNP rs201912409, ClinGen allele CA1686675.